The following is an entry in ClinVar:

ClinVar aggregate classification (germline): Uncertain significance (1 of 4 stars; one submission).

Submission:

GeneDx
Classification: Uncertain significance. Last evaluated: 2022-08-31. Review status: criteria provided, single submitter. Criteria: GeneDx Variant Classification Process June 2021. Collection method: clinical testing. Allele origin: germline. Affected: yes.
Comment: Not observed at significant frequency in large population cohorts (gnomAD); In silico analysis supports that this missense variant does not alter protein structure/function; Has not been previously published as pathogenic or benign to our knowledge

NM_172362.3(KCNH1):c.488G>C (p.Gly163Ala)

Gene: KCNH1 (potassium voltage-gated channel subfamily H member 1; minus strand). Cytogenetic location: 1q32.2.
Variant type: single nucleotide variant.
Coding change: c.488G>C on transcript NM_172362.3 (MANE Select); coding-DNA position 488, G replaced by C.
Protein change: p.Gly163Ala; replaces glycine 163 with alanine.
Molecular consequence: missense variant.
Genome position (GRCh38, 1-based): chr1:211,082,850, C>G on the plus strand (G>C on the coding strand, the complement: KCNH1 is on the minus strand). VCF-style: chr1-211082850-C-G. GRCh37 (hg19) VCF-style: chr1-211256192-C-G.
Other names: c.488G>C, p.Gly163Ala (NM_002238.4); short protein forms G163A.
Identifiers: ClinVar variation 2442512 (VCV002442512.1), dbSNP rs765866257, ClinGen allele CA344875075.